The following is an entry in ClinVar:

ClinVar aggregate classification (germline): Uncertain significance (1 of 4 stars; one submission).

Conditions:
Catecholaminergic polymorphic ventricular tachycardia 1. Also called: VENTRICULAR TACHYCARDIA, STRESS-INDUCED POLYMORPHIC 1; VENTRICULAR TACHYCARDIA, CATECHOLAMINERGIC POLYMORPHIC, 1, WITH OR WITHOUT ATRIAL DYSFUNCTION AND/OR DILATED CARDIOMYOPATHY; RYR2-Related Catecholaminergic Polymorphic Ventricular Tachycardia. Identifiers: Orphanet 3286, MedGen C1631597, MONDO:0011484, OMIM 604772.

Allele frequency attached by ClinVar (database versions not stated): TOPMed below 0.00001.
gnomAD v4.1: 4 of 1,611,040 alleles (0.00025%); no homozygotes.

Submission:

Labcorp Genetics (formerly Invitae), Labcorp
Classification: Uncertain significance for Catecholaminergic polymorphic ventricular tachycardia 1. Last evaluated: 2022-10-04. Review status: criteria provided, single submitter. Criteria: Invitae Variant Classification Sherloc (09022015). Collection method: clinical testing. Allele origin: germline.
Comment: In summary, the available evidence is currently insufficient to determine the role of this variant in disease. Therefore, it has been classified as a Variant of Uncertain Significance. Advanced modeling of protein sequence and biophysical properties (such as structural, functional, and spatial information, amino acid conservation, physicochemical variation, residue mobility, and thermodynamic stability) performed at Invitae indicates that this missense variant is not expected to disrupt RYR2 protein function. This variant has not been reported in the literature in individuals affected with RYR2-related conditions. This variant is not present in population databases (gnomAD no frequency). This sequence change replaces arginine, which is basic and polar, with glycine, which is neutral and non-polar, at codon 4663 of the RYR2 protein (p.Arg4663Gly).

NM_001035.3(RYR2):c.13987C>G (p.Arg4663Gly)

Gene: RYR2 (ryanodine receptor 2; plus strand). Cytogenetic location: 1q43.
Variant type: single nucleotide variant.
Coding change: c.13987C>G on transcript NM_001035.3 (MANE Select); coding-DNA position 13987, C replaced by G.
Protein change: p.Arg4663Gly; replaces arginine 4663 with glycine.
Molecular consequence: missense variant.
Genome position (GRCh38, 1-based): chr1:237,798,067, C>G. VCF-style: chr1-237798067-C-G. GRCh37 (hg19) VCF-style: chr1-237961367-C-G.
Other names: short protein forms R4663G.
Identifiers: ClinVar variation 2142151 (VCV002142151.4), dbSNP rs1398653043, ClinGen allele CA345419613.
Genomic context (GRCh38, chr1:237,798,067, plus strand): 5'-CCAACAAAATGCTTTTTCTCATACCCCAAGGTTATGGATAAATATGGAGAGTTCTACGGC[C>G]GAGACAGAATCAGTGAATTACTTGGCATGGACAAGGCAGCTCTGGACTTCAGTGATGCCA-3'
Protein context (NP_001026.2, residues 4653-4673): VMDKYGEFYG[Arg4663Gly]DRISELLGMD